The following is an entry in ClinVar:

ClinVar aggregate classification (germline): Benign. Review status: criteria provided, multiple submitters, no conflicts (2 of 4 stars). 3 submissions from 3 submitters: Benign (2). 1 of the submissions does not count toward it. Last evaluated 2019-12-31.

Conditions:
LRRIQ3-related disorder. Also called: LRRIQ3-related condition.

Allele frequency attached by ClinVar (database versions not stated): gnomAD exomes 0.00248 and 0.00631; ExAC 0.00781; 1000 Genomes Project 0.02656; gnomAD 0.02688 and 0.02879; ESP Exome Variant Server 0.02926; 1000 Genomes Project 30x 0.02951; TOPMed 0.02981.
gnomAD v4.1: 7,859 of 1,613,678 alleles (0.49%); highest among the groups gnomAD compares: African/African-American, 9.3%; 341 homozygotes.

Submissions (3):

Labcorp Genetics (formerly Invitae), Labcorp
Classification: Benign. Last evaluated: 2019-12-31. Review status: criteria provided, single submitter. Criteria: Invitae Variant Classification Sherloc (09022015). Collection method: clinical testing. Allele origin: germline.

Breakthrough Genomics
Classification: Benign. Review status: criteria provided, single submitter. Criteria: ACMG Guidelines, 2015. Collection method: not provided. Allele origin: germline. Inheritance: Unknown mechanism. Affected: yes.

PreventionGenetics, part of Exact Sciences
Classification: Benign for LRRIQ3-related condition. Last evaluated: 2019-05-01. Review status: no assertion criteria provided. Collection method: clinical testing. Allele origin: germline. Not counted in ClinVar's aggregate classification.
Comment: This variant is classified as benign based on ACMG/AMP sequence variant interpretation guidelines (Richards et al. 2015 PMID: 25741868, with internal and published modifications).

NM_001105659.2(LRRIQ3):c.1192A>G (p.Ile398Val)

Gene: LRRIQ3 (leucine rich repeats and IQ motif containing 3; minus strand). Cytogenetic location: 1p31.1.
Variant type: single nucleotide variant.
Coding change: c.1192A>G on transcript NM_001105659.2 (MANE Select); coding-DNA position 1192, A replaced by G.
Protein change: p.Ile398Val; replaces isoleucine 398 with valine.
Molecular consequence: missense variant.
Genome position (GRCh38, 1-based): chr1:74,041,739, T>C on the plus strand (A>G on the coding strand, the complement: LRRIQ3 is on the minus strand). VCF-style: chr1-74041739-T-C. GRCh37 (hg19) VCF-style: chr1-74507423-T-C.
Other names: c.1192A>G, p.Ile398Val (NM_001322315.2); short protein forms I398V.
Identifiers: ClinVar variation 775562 (VCV000775562.7), dbSNP rs17094779, ClinGen allele CA907799.